The following is an entry in ClinVar:

ClinVar aggregate classification (germline): Uncertain significance. Review status: criteria provided, multiple submitters, no conflicts (2 of 4 stars). 2 submissions from 2 submitters: Uncertain significance (2). Last evaluated 2024-05-23.

Conditions:
Singleton-Merten syndrome 1 (SGMRT1). Also called: Widened medullary cavities of bone, aortic calcification, abnormal dentition, and muscular weakness; Syndrome of widened medullary cavities of the metacarpals and phalanges, aortic calcification and abnormal dentition. Identifiers: Orphanet 85191, MedGen C4225427, MONDO:0024535, OMIM 182250.
Aicardi-Goutieres syndrome 7 (AGS7). Identifiers: Orphanet 51, MedGen C3888244, MONDO:0014367, OMIM 615846.

gnomAD v4.1: 5 of 1,612,006 alleles (0.00031%); highest among the groups gnomAD compares: Non-Finnish European, 0.00034%; no homozygotes.

Submissions (2):

Labcorp Genetics (formerly Invitae), Labcorp
Classification: Uncertain significance for Aicardi-Goutieres syndrome 7; Singleton-Merten syndrome 1. Last evaluated: 2024-05-23. Review status: criteria provided, single submitter. Criteria: Invitae Variant Classification Sherloc (09022015). Collection method: clinical testing. Allele origin: germline.
Comment: This sequence change replaces glutamic acid, which is acidic and polar, with glutamine, which is neutral and polar, at codon 272 of the IFIH1 protein (p.Glu272Gln). This variant is not present in population databases (gnomAD no frequency). This variant has not been reported in the literature in individuals affected with IFIH1-related conditions. Advanced modeling of protein sequence and biophysical properties (such as structural, functional, and spatial information, amino acid conservation, physicochemical variation, residue mobility, and thermodynamic stability) has been performed at Invitae for this missense variant, however the output from this modeling did not meet the statistical confidence thresholds required to predict the impact of this variant on IFIH1 protein function. In summary, the available evidence is currently insufficient to determine the role of this variant in disease. Therefore, it has been classified as a Variant of Uncertain Significance.

Blueprint Genetics
Classification: Uncertain significance. Last evaluated: 2019-11-13. Review status: criteria provided, single submitter. Criteria: ACMG Guidelines, 2015. Collection method: clinical testing. Allele origin: germline.

NM_022168.4(IFIH1):c.814G>C (p.Glu272Gln)

Gene: IFIH1 (interferon induced with helicase C domain 1; minus strand). Cytogenetic location: 2q24.2.
Variant type: single nucleotide variant.
Coding change: c.814G>C on transcript NM_022168.4 (MANE Select); coding-DNA position 814, G replaced by C.
Protein change: p.Glu272Gln; replaces glutamic acid 272 with glutamine.
Molecular consequence: missense variant.
Genome position (GRCh38, 1-based): chr2:162,293,624, C>G on the plus strand (G>C on the coding strand, the complement: IFIH1 is on the minus strand). VCF-style: chr2-162293624-C-G. GRCh37 (hg19) VCF-style: chr2-163150134-C-G.
Other names: short protein forms E272Q.
Identifiers: ClinVar variation 3750416 (VCV003750416.3).